The following is an entry in ClinVar:

ClinVar aggregate classification (germline): Pathogenic (1 of 4 stars; one submission).

Conditions:
Marfan syndrome (MFS). Also called: MARFAN SYNDROME, TYPE I; Marfan syndrome type 1; Marfan's syndrome; Marfan syndrome, classic; FBN1-Related Marfan Syndrome. Identifiers: Orphanet 284963, Orphanet 558, MedGen C0024796, MONDO:0007947, OMIM 154700.
Familial thoracic aortic aneurysm and aortic dissection (TAAD). Also called: Thoracic aortic aneurysms and dissections. Identifiers: Orphanet 91387, MedGen C4707243, MONDO:0019625.

Submission:

Labcorp Genetics (formerly Invitae), Labcorp
Classification: Pathogenic for Marfan syndrome; Familial thoracic aortic aneurysm and aortic dissection. Last evaluated: 2024-03-13. Review status: criteria provided, single submitter. Criteria: Invitae Variant Classification Sherloc (09022015). Collection method: clinical testing. Allele origin: germline.
Comment: This sequence change creates a premature translational stop signal (p.Cys967*) in the FBN1 gene. It is expected to result in an absent or disrupted protein product. Loss-of-function variants in FBN1 are known to be pathogenic (PMID: 17657824, 19293843). This variant is not present in population databases (gnomAD no frequency). This premature translational stop signal has been observed in individual(s) with thoracic aortic aneurysm and dissection (PMID: 34456093). For these reasons, this variant has been classified as Pathogenic.

Literature cited by the submitters: PubMed 17657824; PubMed 19293843; PubMed 34456093.

NM_000138.5(FBN1):c.2901del (p.Glu966_Cys967insTer)

Gene: FBN1 (fibrillin 1; minus strand). Cytogenetic location: 15q21.1.
Variant type: Deletion.
Coding change: c.2901del on transcript NM_000138.5 (MANE Select); coding-DNA position 2901, one base deleted (C; older notation c.2901delC).
Protein change: p.Glu966_Cys967insTer.
Molecular consequence: nonsense.
Genome position (GRCh38, 1-based): chr15:48,490,032, G deleted on the plus strand (C on the coding strand, the reverse complement: FBN1 is on the minus strand). VCF-style (leftmost placement, unchanged base first): chr15-48490031-TG-T. GRCh37 (hg19) VCF-style: chr15-48782228-TG-T.
Other names: c.2901del, p.Glu966_Cys967insTer (NM_001406716.1).
Identifiers: ClinVar variation 2953574 (VCV002953574.3), dbSNP rs2505558579, ClinGen allele CA2740096652.